The following is an entry in ClinVar:

NM_001540.5(HSPB1):c.498G>A (p.Glu166=)

Gene: HSPB1 (heat shock protein family B (small) member 1; plus strand). Cytogenetic location: 7q11.23.
Variant type: single nucleotide variant.
Coding change: c.498G>A on transcript NM_001540.5 (MANE Select); coding-DNA position 498, G replaced by A.
Protein change: p.Glu166=; no amino-acid change (glutamic acid 166 retained).
Molecular consequence: synonymous variant.
Genome position (GRCh38, 1-based): chr7:76,304,053, G>A. VCF-style: chr7-76304053-G-A. GRCh37 (hg19) VCF-style: chr7-75933370-G-A.
Identifiers: ClinVar variation 698878 (VCV000698878.12), dbSNP rs148357753, ClinGen allele CA4306432.

ClinVar aggregate classification (germline): Likely benign. Review status: criteria provided, multiple submitters, no conflicts (2 of 4 stars). 3 submissions from 2 submitters: Likely benign (3). Last evaluated 2025-07-03.

Conditions:
Charcot-Marie-Tooth disease axonal type 2F (CMT2F). Also called: CHARCOT-MARIE-TOOTH DISEASE, NEURONAL, TYPE 2F; Charcot-Marie-Tooth Neuropathy Type 2F. Identifiers: Orphanet 99940, MedGen C1847823, MONDO:0011687, OMIM 606595.
Neuronopathy, distal hereditary motor, type 2B. Also called: NEURONOPATHY, DISTAL HEREDITARY MOTOR, AUTOSOMAL DOMINANT 3; NEURONOPATHY, DISTAL HEREDITARY MOTOR, HARDING TYPE IIB; NEUROPATHY, DISTAL HEREDITARY MOTOR, HARDING TYPE IIB; HMN IIB. Identifiers: Orphanet 139525, MedGen C2608087, MONDO:0012080, OMIM 608634.

Allele frequency attached by ClinVar (database versions not stated): gnomAD exomes 0.00001 and 0.00006; gnomAD 0.00002 and 0.00003; ExAC 0.00007; TOPMed 0.00008; 1000 Genomes Project 30x 0.00016; 1000 Genomes Project 0.00020.
gnomAD v4.1: 15 of 1,613,826 alleles (0.00093%); highest among the groups gnomAD compares: East Asian, 0.027%; no homozygotes.

Submissions (3):

Labcorp Genetics (formerly Invitae), Labcorp
Classification: Likely benign for Charcot-Marie-Tooth disease axonal type 2F. Last evaluated: 2025-07-03. Review status: criteria provided, single submitter. Criteria: Invitae Variant Classification Sherloc (09022015). Collection method: clinical testing. Allele origin: germline.

Illumina Laboratory Services, Illumina
Classification: Likely benign for Neuronopathy, distal hereditary motor, type 2B. Last evaluated: 2017-04-27. Review status: criteria provided, single submitter. Criteria: ICSL Variant Classification Criteria 13 December 2019. Collection method: clinical testing. Allele origin: germline.
Comment: This variant was observed as part of a predisposition screen in an ostensibly healthy population. A literature search was performed for the gene, cDNA change, and amino acid change (where applicable). No publications were found based on this search. Allele frequency data from public databases allowed determination this variant is unlikely to cause disease. Therefore, this variant is classified as likely benign.

Illumina Laboratory Services, Illumina
Classification: Likely benign for Charcot-Marie-Tooth disease axonal type 2F. Last evaluated: 2017-04-27. Review status: criteria provided, single submitter. Criteria: ICSL Variant Classification Criteria 13 December 2019. Collection method: clinical testing. Allele origin: germline.
Comment: the same text as in the submission from Illumina Laboratory Services, Illumina above.